The following is an entry in ClinVar:

ClinVar aggregate classification (germline): Uncertain significance (1 of 4 stars; one submission).

Conditions:
Propionic acidemia (PROP). Also called: GLYCINEMIA, KETOTIC; HYPERGLYCINEMIA WITH KETOACIDOSIS AND LEUKOPENIA; KETOTIC HYPERGLYCINEMIA. Identifiers: Orphanet 35, MedGen C0268579, MONDO:0011628, OMIM 606054, HP:0003571.

Allele frequency attached by ClinVar (database versions not stated): gnomAD exomes below 0.00001; TOPMed below 0.00001; ExAC 0.00002.
gnomAD v4.1: 2 of 1,608,092 alleles (0.00012%); highest among the groups gnomAD compares: South Asian, 0.0011%; no homozygotes.

Submission:

Labcorp Genetics (formerly Invitae), Labcorp
Classification: Uncertain significance for Propionic acidemia. Last evaluated: 2022-04-24. Review status: criteria provided, single submitter. Criteria: Invitae Variant Classification Sherloc (09022015). Collection method: clinical testing. Allele origin: germline.
Comment: This sequence change replaces glutamic acid, which is acidic and polar, with alanine, which is neutral and non-polar, at codon 204 of the PCCA protein (p.Glu204Ala). This variant is present in population databases (rs766876474, gnomAD 0.003%). This variant has not been reported in the literature in individuals affected with PCCA-related conditions. Algorithms developed to predict the effect of missense changes on protein structure and function (SIFT, PolyPhen-2, Align-GVGD) all suggest that this variant is likely to be tolerated. In summary, the available evidence is currently insufficient to determine the role of this variant in disease. Therefore, it has been classified as a Variant of Uncertain Significance.

NM_000282.4(PCCA):c.611A>C (p.Glu204Ala)

Gene: PCCA (propionyl-CoA carboxylase subunit alpha; plus strand). Cytogenetic location: 13q32.3.
Variant type: single nucleotide variant.
Coding change: c.611A>C on transcript NM_000282.4 (MANE Select); coding-DNA position 611, A replaced by C.
Protein change: p.Glu204Ala; replaces glutamic acid 204 with alanine.
Molecular consequence: missense variant. On other transcripts: 5 prime UTR variant (3), non-coding transcript variant (5).
Genome position (GRCh38, 1-based): chr13:100,235,852, A>C. VCF-style: chr13-100235852-A-C. GRCh37 (hg19) VCF-style: chr13-100888106-A-C.
Other names: c.533A>C, p.Glu178Ala (NM_001127692.3, NM_001352607.2, NM_001352608.2); c.611A>C, p.Glu204Ala (NM_001178004.2, NM_001352605.2, NM_001352606.2 and 1 more transcripts); c.-256A>C (NM_001352610.2, NM_001352611.2, NM_001352612.2); short protein forms E178A, E204A.
Identifiers: ClinVar variation 2199094 (VCV002199094.1), dbSNP rs766876474, ClinGen allele CA7033297.